The following is an entry in ClinVar:

NM_001130083.2(ABLIM2):c.294G>T (p.Leu98=)

Gene: ABLIM2 (actin binding LIM protein family member 2; minus strand). Cytogenetic location: 4p16.1.
Variant type: single nucleotide variant.
Coding change: c.294G>T on transcript NM_001130083.2 (MANE Select); coding-DNA position 294, G replaced by T.
Protein change: p.Leu98=; no amino-acid change (leucine 98 retained).
Molecular consequence: synonymous variant.
Genome position (GRCh38, 1-based): chr4:8,097,143, C>A on the plus strand (G>T on the coding strand, the complement: ABLIM2 is on the minus strand). VCF-style: chr4-8097143-C-A. GRCh37 (hg19) VCF-style: chr4-8098870-C-A.
Other names: c.294G>T, p.Leu98= (NM_001130084.2, NM_001130085.2, NM_001130086.2 and 3 more transcripts).
Identifiers: ClinVar variation 2654644 (VCV002654644.24), dbSNP rs199762433, ClinGen allele CA2848432.

ClinVar aggregate classification (germline): Likely benign (1 of 4 stars; one submission).

Allele frequency attached by ClinVar (database versions not stated): ESP Exome Variant Server 0.00015; gnomAD 0.00028; TOPMed 0.00031; ExAC 0.00053.
gnomAD v4.1: 468 of 1,611,390 alleles (0.029%); highest among the groups gnomAD compares: South Asian, 0.094%; 2 homozygotes.

Submission:

CeGaT Center for Human Genetics Tuebingen
Classification: Likely benign. Last evaluated: 2022-10-01. Review status: criteria provided, single submitter. Criteria: CeGaT Center For Human Genetics Tuebingen Variant Classification Criteria Version 2. Collection method: clinical testing. Allele origin: germline. Affected: yes. Observed: 1 variant allele.
Comment: ABLIM2: BP4, BP7